The following is an entry in ClinVar:

ClinVar aggregate classification (germline): Likely benign (0 of 4 stars; one submission).

Conditions:
COL4A3-related disorder. Also called: COL4A3-Related Disorders; COL4A3-related condition.

gnomAD v4.1: 1 of 1,597,962 alleles (0.000063%); highest among the groups gnomAD compares: Non-Finnish European, 0.000086%; no homozygotes.

Submission:

PreventionGenetics, part of Exact Sciences
Classification: Likely benign for COL4A3-related condition. Last evaluated: 2022-05-06. Review status: no assertion criteria provided. Collection method: clinical testing. Allele origin: germline.
Comment: This variant is classified as likely benign based on ACMG/AMP sequence variant interpretation guidelines (Richards et al. 2015 PMID: 25741868, with internal and published modifications).

NM_000091.5(COL4A3):c.3883-3T>A

Genes: COL4A3 (collagen type IV alpha 3 chain; plus strand), MFF-DT (MFF divergent transcript; minus strand). Cytogenetic location: 2q36.3.
Variant type: single nucleotide variant.
Coding change: c.3883-3T>A on transcript NM_000091.5 (MANE Select); 3 bases into the intron before coding-DNA position 3883, T replaced by A.
Molecular consequence: intron variant.
Genome position (GRCh38, 1-based): chr2:227,303,035, T>A. VCF-style: chr2-227303035-T-A. GRCh37 (hg19) VCF-style: chr2-228167751-T-A.
Identifiers: ClinVar variation 3034485 (VCV003034485.2), dbSNP rs373227102, ClinGen allele CA2577265502.